The following is an entry in ClinVar:

ClinVar aggregate classification (germline): Conflicting classifications of pathogenicity. Review status: criteria provided, conflicting classifications (1 of 4 stars). 11 submissions from 7 submitters: Uncertain significance (7); Benign (2); Likely benign (2). Last evaluated 2025-07-23.

Conditions:
Autosomal recessive limb-girdle muscular dystrophy type 2J (LGMDR10). Also called: Limb-girdle muscular dystrophy, type 2J; MUSCULAR DYSTROPHY, LIMB-GIRDLE, AUTOSOMAL RECESSIVE 10. Identifiers: Orphanet 140922, MedGen C1837342, MONDO:0012127, OMIM 608807.
Dilated cardiomyopathy 1G (CMD1G). Identifiers: Orphanet 154, MedGen C1858763, MONDO:0011400, OMIM 604145.
TTN-related disorder. Also called: TTN-related condition; TTN-related disease; TTN-related disorders.
Cardiovascular phenotype. Identifiers: MedGen CN230736.
Myopathy, myofibrillar, 9, with early respiratory failure (MFM9). Also called: Hereditary myopathy with early respiratory failure; MYOPATHY, PROXIMAL, WITH EARLY RESPIRATORY MUSCLE INVOLVEMENT; EDSTROM MYOPATHY; Myopathy, distal, with early respiratory failure, autosomal dominant. Identifiers: Orphanet 178464, Orphanet 34521, MedGen C1863599, MONDO:0011362, OMIM 603689.
Tibial muscular dystrophy (TMD). Also called: Udd Distal Myopathy – Tibial Muscular Dystrophy; UDD MYOPATHY; Tibial muscular dystrophy, tardive. Identifiers: Orphanet 609, MedGen C1838244, MONDO:0010870, OMIM 600334.
Early-onset myopathy with fatal cardiomyopathy (CMYO5). Also called: Salih Myopathy; CONGENITAL MYOPATHY 5 WITH CARDIOMYOPATHY. Identifiers: Orphanet 289377, MedGen C2673677, MONDO:0012714, OMIM 611705. Disease mechanism: loss of function.

Allele frequency attached by ClinVar (database versions not stated): gnomAD exomes 0.00005 and 0.00030; TOPMed 0.00005; ExAC 0.00006; gnomAD 0.00006 and 0.00013; 1000 Genomes Project 30x 0.00016; 1000 Genomes Project 0.00020.
gnomAD v4.1: 441 of 1,612,770 alleles (0.027%); highest among the groups gnomAD compares: East Asian, 0.97%; 4 homozygotes.

Submissions (11):

PreventionGenetics, part of Exact Sciences
Classification: Likely benign for TTN-related condition. Last evaluated: 2025-07-23. Review status: criteria provided, single submitter. Criteria: ACMG Guidelines, 2015. Collection method: clinical testing. Allele origin: germline.
Comment: This variant is classified as likely benign based on ACMG/AMP sequence variant interpretation guidelines (Richards et al. 2015 PMID: 25741868, with internal and published modifications).

Revvity Omics, Revvity
Classification: Uncertain significance. Last evaluated: 2024-04-26. Review status: criteria provided, single submitter. Criteria: ACMG Guidelines, 2015. Collection method: clinical testing. Allele origin: germline.

Women's Health and Genetics/Laboratory Corporation of America, LabCorp
Classification: Uncertain significance. Last evaluated: 2023-05-15. Review status: criteria provided, single submitter. Criteria: LabCorp Variant Classification Summary - May 2015. Collection method: clinical testing. Allele origin: germline.
Comment: Variant summary: TTN c.61277C>T (p.Thr20426Ile) results in a non-conservative amino acid change located in the A-band of the encoded protein sequence. Three of four in-silico tools predict a benign effect of the variant on protein function. The variant allele was found at a frequency of 4.8e-05 in 248534 control chromosomes. This frequency is not significantly higher than estimated for a pathogenic variant in TTN causing Dilated Cardiomyopathy (4.8e-05 vs 0.00039), allowing no conclusion about variant significance. c.61277C>T has been reported in the literature in a compound heterozygous individual with sudden unexplained death (Christiansen_2016). These report(s) do not provide unequivocal conclusions about association of the variant with Dilated Cardiomyopathy. To our knowledge, no experimental evidence demonstrating an impact on protein function has been reported. The following publication have been ascertained in the context of this evaluation (PMID: 27650965). Three clinical diagnostic laboratories have submitted clinical-significance assessments for this variant to ClinVar after 2014 without evidence for independent evaluation, classifying the variant as uncertain significance (n=2), or likely benign (n=1). Based on the evidence outlined above, the variant was classified as uncertain significance.

Ambry Genetics
Classification: Uncertain significance for Cardiovascular phenotype. Last evaluated: 2020-03-03. Review status: criteria provided, single submitter. Criteria: Ambry Variant Classification Scheme 2023. Collection method: clinical testing. Allele origin: germline.
Comment: The p.T13929I variant (also known as c.41786C>T), located in coding exon 151 of the TTN gene, results from a C to T substitution at nucleotide position 41786. The threonine at codon 13929 is replaced by isoleucine, an amino acid with similar properties. This alteration co-occurred with variants in other cardiac-related genes in a patient with sudden cardiac death (Christiansen SL et al. Eur. J. Hum. Genet., 2016 12;24:1797-1802). This amino acid position is poorly conserved in available vertebrate species. In addition, this alteration is predicted to be tolerated by in silico analysis. Since supporting evidence is limited at this time, the clinical significance of this alteration remains unclear.

Labcorp Genetics (formerly Invitae), Labcorp
Classification: Uncertain significance for Dilated cardiomyopathy 1G; Autosomal recessive limb-girdle muscular dystrophy type 2J. Last evaluated: 2018-01-18. Review status: criteria provided, single submitter. Criteria: Invitae Variant Classification Sherloc (09022015). Collection method: clinical testing. Allele origin: germline.
Comment: This sequence change replaces threonine with isoleucine at codon 22994 of the TTN protein (p.Thr22994Ile). There is a moderate physicochemical difference between threonine and isoleucine. This variant is present in population databases (rs183056142, ExAC 0.08%). This variant has been reported in an individual with sudden unexplained death (PMID: 27650965), however this individual had additional variants in TTN and other genes. Algorithms developed to predict the effect of missense changes on protein structure and function are not available for the TTN gene. The isoleucine amino acid residue is found in multiple mammalian species, suggesting that this missense change does not adversely affect protein function. These predictions have not been confirmed by published functional studies and their clinical significance is uncertain. In summary, the available evidence is currently insufficient to determine the role of this variant in disease. Therefore, it has been classified as a Variant of Uncertain Significance.

Illumina Laboratory Services, Illumina
Classification: Uncertain significance for Dilated cardiomyopathy 1G. Last evaluated: 2018-01-12. Review status: criteria provided, single submitter. Criteria: ICSL Variant Classification Criteria 13 December 2019. Collection method: clinical testing. Allele origin: germline.

Illumina Laboratory Services, Illumina
Classification: Uncertain significance for Early-onset myopathy with fatal cardiomyopathy. Last evaluated: 2018-01-12. Review status: criteria provided, single submitter. Criteria: ICSL Variant Classification Criteria 13 December 2019. Collection method: clinical testing. Allele origin: germline.

Illumina Laboratory Services, Illumina
Classification: Benign for Myopathy, myofibrillar, 9, with early respiratory failure. Last evaluated: 2018-01-12. Review status: criteria provided, single submitter. Criteria: ICSL Variant Classification Criteria 13 December 2019. Collection method: clinical testing. Allele origin: germline.
Comment: This variant was observed in the ICSL laboratory as part of a predisposition screen in an ostensibly healthy population. It had not been previously curated by ICSL or reported in the Human Gene Mutation Database (HGMD: prior to June 1st, 2018), and was therefore a candidate for classification through an automated scoring system. Utilizing variant allele frequency, disease prevalence and penetrance estimates, and inheritance mode, an automated score was calculated to assess if this variant is too frequent to cause the disease. Based on the score and internal cut-off values, a variant classified as benign is not then subjected to further curation. The score for this variant resulted in a classification of benign for this disease.

Illumina Laboratory Services, Illumina
Classification: Uncertain significance for Autosomal recessive limb-girdle muscular dystrophy type 2J. Last evaluated: 2018-01-12. Review status: criteria provided, single submitter. Criteria: ICSL Variant Classification Criteria 13 December 2019. Collection method: clinical testing. Allele origin: germline.

Illumina Laboratory Services, Illumina
Classification: Benign for Tibial muscular dystrophy. Last evaluated: 2018-01-12. Review status: criteria provided, single submitter. Criteria: ICSL Variant Classification Criteria 13 December 2019. Collection method: clinical testing. Allele origin: germline.
Comment: the same text as in the submission from Illumina Laboratory Services, Illumina above.

GeneDx
Classification: Likely benign. Last evaluated: 2017-05-16. Review status: criteria provided, single submitter. Criteria: GeneDx Variant Classification (06012015). Collection method: clinical testing. Allele origin: germline. Affected: yes.
Comment: This variant is considered likely benign or benign based on one or more of the following criteria: it is a conservative change, it occurs at a poorly conserved position in the protein, it is predicted to be benign by multiple in silico algorithms, and/or has population frequency not consistent with disease.

Literature cited by the submitters: PubMed 27650965 (cited by 3 submitters).

NM_001267550.2(TTN):c.68981C>T (p.Thr22994Ile)

Genes: TTN (titin; minus strand), TTN-AS1 (TTN antisense RNA 1; plus strand). Cytogenetic location: 2q31.2.
Variant type: single nucleotide variant.
Coding change: c.68981C>T on transcript NM_001267550.2 (MANE Select); coding-DNA position 68981, C replaced by T.
Protein change: p.Thr22994Ile; replaces threonine 22994 with isoleucine.
Molecular consequence: missense variant.
Genome position (GRCh38, 1-based): chr2:178,577,354, G>A on the plus strand (C>T on the coding strand, the complement: TTN is on the minus strand). VCF-style: chr2-178577354-G-A. GRCh37 (hg19) VCF-style: chr2-179442081-G-A.
Other names: c.64058C>T, p.Thr21353Ile (NM_001256850.1); c.41786C>T, p.Thr13929Ile (NM_003319.4); c.61277C>T, p.Thr20426Ile (NM_133378.4); c.42161C>T, p.Thr14054Ile (NM_133432.3); c.42362C>T, p.Thr14121Ile (NM_133437.4); short protein forms T22994I, T21353I, T14121I, T14054I, T20426I, T13929I.
Identifiers: ClinVar variation 467415 (VCV000467415.11), dbSNP rs183056142, ClinGen allele CA1991008.